The following is an entry in ClinVar:

ClinVar aggregate classification (germline): Uncertain significance (1 of 4 stars; one submission).

Allele frequency attached by ClinVar (database versions not stated): TOPMed 0.00001.

Submission:

Labcorp Genetics (formerly Invitae), Labcorp
Classification: Uncertain significance. Last evaluated: 2025-12-30. Review status: criteria provided, single submitter. Criteria: Invitae Variant Classification Sherloc (09022015). Collection method: clinical testing. Allele origin: germline.
Comment: This sequence change replaces glutamic acid, which is acidic and polar, with glutamine, which is neutral and polar, at codon 677 of the MSH3 protein (p.Glu677Gln). This variant is not present in population databases (gnomAD no frequency). This variant has not been reported in the literature in individuals affected with MSH3-related conditions. ClinVar contains an entry for this variant (Variation ID: 1046402). An algorithm developed to predict the effect of missense changes on protein structure and function (PolyPhen-2) suggests that this variant is likely to be tolerated. In summary, the available evidence is currently insufficient to determine the role of this variant in disease. Therefore, it has been classified as a Variant of Uncertain Significance.

NM_002439.5(MSH3):c.2029G>C (p.Glu677Gln)

Gene: MSH3 (mutS homolog 3; plus strand). Cytogenetic location: 5q14.1.
Variant type: single nucleotide variant.
Coding change: c.2029G>C on transcript NM_002439.5 (MANE Select); coding-DNA position 2029, G replaced by C.
Protein change: p.Glu677Gln; replaces glutamic acid 677 with glutamine.
Molecular consequence: missense variant.
Genome position (GRCh38, 1-based): chr5:80,768,065, G>C. VCF-style: chr5-80768065-G-C. GRCh37 (hg19) VCF-style: chr5-80063884-G-C.
Other names: short protein forms E677Q.
Identifiers: ClinVar variation 1046402 (VCV001046402.8), dbSNP rs1205179803, ClinGen allele CA360277808.